The following is an entry in ClinVar:

ClinVar aggregate classification (germline): Conflicting classifications of pathogenicity. Review status: criteria provided, conflicting classifications (1 of 4 stars). 2 submissions from 2 submitters: Uncertain significance (1); Likely benign (1). Last evaluated 2025-09-03.

Conditions:
Hereditary cancer-predisposing syndrome. Also called: Hereditary Cancer Syndrome; Hereditary neoplastic syndrome; Neoplastic Syndromes, Hereditary; Tumor predisposition. Identifiers: Orphanet 140162, MedGen C0027672, MeSH D009386, MONDO:0015356.

Allele frequency attached by ClinVar (database versions not stated): gnomAD exomes 0.00001; TOPMed 0.00001; ExAC 0.00002; gnomAD 0.00003; 1000 Genomes Project 30x 0.00016; 1000 Genomes Project 0.00020.
gnomAD v4.1: 23 of 1,613,980 alleles (0.0014%); highest among the groups gnomAD compares: South Asian, 0.0044%; no homozygotes.

Submissions (2):

Labcorp Genetics (formerly Invitae), Labcorp
Classification: Uncertain significance. Last evaluated: 2025-09-03. Review status: criteria provided, single submitter. Criteria: Invitae Variant Classification Sherloc (09022015). Collection method: clinical testing. Allele origin: germline.
Comment: This sequence change replaces aspartic acid, which is acidic and polar, with asparagine, which is neutral and polar, at codon 1165 of the POLE protein (p.Asp1165Asn). This variant is present in population databases (rs575738148, gnomAD 0.008%). This variant has not been reported in the literature in individuals affected with POLE-related conditions. ClinVar contains an entry for this variant (Variation ID: 405618). Invitae Evidence Modeling of protein sequence and biophysical properties (such as structural, functional, and spatial information, amino acid conservation, physicochemical variation, residue mobility, and thermodynamic stability) indicates that this missense variant is not expected to disrupt POLE protein function with a negative predictive value of 80%. In summary, the available evidence is currently insufficient to determine the role of this variant in disease. Therefore, it has been classified as a Variant of Uncertain Significance.

Ambry Genetics
Classification: Likely benign for Hereditary cancer-predisposing syndrome. Last evaluated: 2025-02-04. Review status: criteria provided, single submitter. Criteria: Ambry Variant Classification Scheme 2023. Collection method: clinical testing. Allele origin: germline.

NM_006231.4(POLE):c.3493G>A (p.Asp1165Asn)

Gene: POLE (DNA polymerase epsilon, catalytic subunit; minus strand). Cytogenetic location: 12q24.33.
Variant type: single nucleotide variant.
Coding change: c.3493G>A on transcript NM_006231.4 (MANE Select); coding-DNA position 3493, G replaced by A.
Protein change: p.Asp1165Asn; replaces aspartic acid 1165 with asparagine.
Molecular consequence: missense variant.
Genome position (GRCh38, 1-based): chr12:132,657,225, C>T on the plus strand (G>A on the coding strand, the complement: POLE is on the minus strand). VCF-style: chr12-132657225-C-T. GRCh37 (hg19) VCF-style: chr12-133233811-C-T.
Other names: c.3493G>A (NM_006231.2); short protein forms D1165N.
Identifiers: ClinVar variation 405618 (VCV000405618.11), dbSNP rs575738148, ClinGen allele CA6893198.